The following is an entry in ClinVar:

ClinVar aggregate classification (germline): Pathogenic (1 of 4 stars; one submission).

Conditions:
Pitt-Hopkins-like syndrome 2 (PTHSL2). Identifiers: Orphanet 221150, Orphanet 600663, MedGen C3280479, MONDO:0013690, OMIM 614325.

Submission:

Labcorp Genetics (formerly Invitae), Labcorp
Classification: Pathogenic for Pitt-Hopkins-like syndrome 2. Last evaluated: 2022-06-14. Review status: criteria provided, single submitter. Criteria: Invitae Variant Classification Sherloc (09022015). Collection method: clinical testing. Allele origin: germline.
Comment: This sequence change creates a premature translational stop signal (p.Asp244Leufs*29) in the NRXN1 gene. It is expected to result in an absent or disrupted protein product. Loss-of-function variants in NRXN1 are known to be pathogenic (PMID: 19896112, 21964664, 23495017, 23533028, 25149956, 30031152). This variant is not present in population databases (gnomAD no frequency). This variant has not been reported in the literature in individuals affected with NRXN1-related conditions. For these reasons, this variant has been classified as Pathogenic.

Literature cited by the submitters: PubMed 19896112; PubMed 21964664; PubMed 23495017; PubMed 23533028; PubMed 25149956; PubMed 30031152.

NM_001330078.2(NRXN1):c.730_735delinsCTGG (p.Asp244fs)

Gene: NRXN1 (neurexin 1; minus strand). Cytogenetic location: 2p16.3.
Variant type: Indel.
Coding change: c.730_735delinsCTGG on transcript NM_001330078.2 (MANE Select); coding-DNA positions 730 to 735, GACTGC replaced by CTGG.
Protein change: p.Asp244fs; shifts the reading frame from aspartic acid 244.
Molecular consequence: frameshift variant.
Genome position (GRCh38, 1-based): chr2:51,027,539-51,027,544, GCAGTC replaced by CCAG on the plus strand (GACTGC replaced by CTGG on the coding strand, the reverse complement: NRXN1 is on the minus strand). VCF-style: chr2-51027539-GCAGTC-CCAG. GRCh37 (hg19) VCF-style: chr2-51254677-GCAGTC-CCAG.
Other names: c.730_735delinsCTGG, p.Asp244fs (NM_001135659.3, NM_001330077.2, NM_001330079.2 and 15 more transcripts); short protein forms D244fs.
Identifiers: ClinVar variation 970430 (VCV000970430.6), dbSNP rs1670719129, ClinGen allele CA1139657031.